The following is an entry in ClinVar:

NC_000005.9:g.(?_60170432)_(60195564_?)del

Gene: ERCC8 (ERCC excision repair 8, CSA ubiquitin ligase complex subunit; minus strand). Cytogenetic location: 5q12.1.
Variant type: Deletion.
Identifiers: ClinVar variation 1074549 (VCV001074549.7).

ClinVar aggregate classification (germline): Pathogenic (1 of 4 stars; one submission).

Submission:

Labcorp Genetics (formerly Invitae), Labcorp
Classification: Pathogenic. Last evaluated: 2021-05-12. Review status: criteria provided, single submitter. Criteria: Invitae Variant Classification Sherloc (09022015). Collection method: clinical testing. Allele origin: germline.
Comment: For these reasons, this variant has been classified as Pathogenic. This variant disrupts the C-terminus of the ERCC8 protein. Other variant(s) that disrupt this region (p.Ser351Argfs*31) have been determined to be pathogenic (PMID: 30039856). This suggests that variants that disrupt this region of the protein are likely to be causative of disease. This variant has not been reported in the literature in individuals with ERCC8-related conditions. This variant is a gross deletion of the genomic region encompassing exon(s) 8-12 of the ERCC8 gene. The 5' boundary is likely confined to intron 7. The 3' end of this event is unknown as it extends through the termination codon beyond the assayed region for this gene and may encompass additional genes. While this deletion is not anticipated to lead to nonsense mediated decay, it is expected to alter mRNA translation or result in a truncated protein product.

Literature cited by the submitters: PubMed 30039856.